The following is an entry in ClinVar:

ClinVar aggregate classification (germline): Conflicting classifications of pathogenicity. Review status: criteria provided, conflicting classifications (1 of 4 stars). 2 submissions from 2 submitters: Uncertain significance (1); Likely benign (1). Last evaluated 2024-07-25.

Allele frequency attached by ClinVar (database versions not stated): ESP Exome Variant Server 0.00046; gnomAD 0.00057; ExAC 0.00062; TOPMed 0.00075; 1000 Genomes Project 0.00160; 1000 Genomes Project 30x 0.00203.
gnomAD v4.1: 681 of 1,614,040 alleles (0.042%); highest among the groups gnomAD compares: Admixed American, 0.22%; no homozygotes.

Submissions (2):

Blueprint Genetics
Classification: Uncertain significance. Last evaluated: 2024-07-25. Review status: criteria provided, single submitter. Criteria: ACMG Guidelines, 2015. Collection method: clinical testing. Allele origin: germline.

CeGaT Center for Human Genetics Tuebingen
Classification: Likely benign. Last evaluated: 2023-10-01. Review status: criteria provided, single submitter. Criteria: CeGaT Center For Human Genetics Tuebingen Variant Classification Criteria Version 2. Collection method: clinical testing. Allele origin: germline. Affected: yes. Observed: 1 variant allele.
Comment: FLG: BP4, BP7

NM_002016.2(FLG):c.2838T>G (p.Val946=)

Genes: CCDST (cervical cancer associated DHX9 suppressive transcript; plus strand), FLG (filaggrin; minus strand). Cytogenetic location: 1q21.3.
Variant type: single nucleotide variant.
Coding change: c.2838T>G on transcript NM_002016.2 (MANE Select); coding-DNA position 2838, T replaced by G.
Protein change: p.Val946=; no amino-acid change (valine 946 retained).
Molecular consequence: synonymous variant.
Genome position (GRCh38, 1-based): chr1:152,312,048, A>C on the plus strand (T>G on the coding strand, the complement: FLG is on the minus strand). VCF-style: chr1-152312048-A-C. GRCh37 (hg19) VCF-style: chr1-152284524-A-C.
Identifiers: ClinVar variation 2639304 (VCV002639304.25), dbSNP rs149967165, ClinGen allele CA1106961.